The following is an entry in ClinVar:

NM_002439.5(MSH3):c.2814-1G>C

Gene: MSH3 (mutS homolog 3; plus strand). Cytogenetic location: 5q14.1.
Variant type: single nucleotide variant.
Coding change: c.2814-1G>C on transcript NM_002439.5 (MANE Select); the canonical splice acceptor site of the intron before coding-DNA position 2814, G replaced by C.
Molecular consequence: splice acceptor variant.
Genome position (GRCh38, 1-based): chr5:80,854,129, G>C. VCF-style: chr5-80854129-G-C. GRCh37 (hg19) VCF-style: chr5-80149948-G-C.
Identifiers: ClinVar variation 4294192 (VCV004294192.1).

ClinVar aggregate classification (germline): Likely pathogenic (1 of 4 stars; one submission).

Conditions:
Familial adenomatous polyposis 4 (FAP4). Also called: MSH3-related attenuated familial adenomatous polyposis. Identifiers: Orphanet 480536, MedGen C4310719, MONDO:0044300, OMIM 617100.

Submission:

Myriad Genetics, Inc.
Classification: Likely pathogenic for Familial adenomatous polyposis 4. Last evaluated: 2025-09-26. Review status: criteria provided, single submitter. Criteria: Myriad Autosomal Dominant, Autosomal Recessive and X-Linked Classification Criteria (2023). Collection method: clinical testing. Allele origin: unknown.
Comment: This variant is considered likely pathogenic. This variant occurs within a consensus splice junction and is predicted to result in abnormal mRNA splicing of either an out-of-frame exon or an in-frame exon necessary for protein stability and/or normal function.